The following is an entry in ClinVar:

ClinVar aggregate classification (germline): Uncertain significance. Review status: criteria provided, multiple submitters, no conflicts (2 of 4 stars). 2 submissions from 2 submitters: Uncertain significance (2). Last evaluated 2025-01-06.

Conditions:
Charcot-Marie-Tooth disease type 2R. Also called: CHARCOT-MARIE-TOOTH NEUROPATHY, TYPE 2R; CHARCOT-MARIE-TOOTH DISEASE, AXONAL, AUTOSOMAL RECESSIVE, TYPE 2R; Charcot-Marie-Tooth disease, axonal, type 2R. Identifiers: Orphanet 397968, MedGen C3809655, MONDO:0014208, OMIM 615490.

Allele frequency attached by ClinVar (database versions not stated): ExAC 0.00001; gnomAD 0.00004 and 0.00003; gnomAD exomes 0.00001; TOPMed 0.00003.
gnomAD v4.1: 93 of 1,613,808 alleles (0.0058%); highest among the groups gnomAD compares: Non-Finnish European, 0.0071%; no homozygotes.

Submissions (2):

Labcorp Genetics (formerly Invitae), Labcorp
Classification: Uncertain significance for Charcot-Marie-Tooth disease type 2R. Last evaluated: 2025-01-06. Review status: criteria provided, single submitter. Criteria: Invitae Variant Classification Sherloc (09022015). Collection method: clinical testing. Allele origin: germline.
Comment: This sequence change replaces arginine, which is basic and polar, with glutamine, which is neutral and polar, at codon 423 of the TRIM2 protein (p.Arg423Gln). This variant is present in population databases (rs777541972, gnomAD 0.005%). This variant has not been reported in the literature in individuals affected with TRIM2-related conditions. ClinVar contains an entry for this variant (Variation ID: 575222). An algorithm developed to predict the effect of missense changes on protein structure and function (PolyPhen-2) suggests that this variant is likely to be tolerated. In summary, the available evidence is currently insufficient to determine the role of this variant in disease. Therefore, it has been classified as a Variant of Uncertain Significance.

Ambry Genetics
Classification: Uncertain significance. Last evaluated: 2023-11-06. Review status: criteria provided, single submitter. Criteria: Ambry Variant Classification Scheme 2023. Collection method: clinical testing. Allele origin: germline.

NM_015271.5(TRIM2):c.1349G>A (p.Arg450Gln)

Gene: TRIM2 (tripartite motif containing 2; plus strand). Cytogenetic location: 4q31.3.
Variant type: single nucleotide variant.
Coding change: c.1349G>A on transcript NM_015271.5 (MANE Select); coding-DNA position 1349, G replaced by A.
Protein change: p.Arg450Gln; replaces arginine 450 with glutamine.
Molecular consequence: missense variant.
Genome position (GRCh38, 1-based): chr4:153,295,875, G>A. VCF-style: chr4-153295875-G-A. GRCh37 (hg19) VCF-style: chr4-154217027-G-A.
Other names: c.1268G>A, p.Arg423Gln (NM_001130067.2, NM_001351056.2); c.1322G>A, p.Arg441Gln (NM_001351054.2); c.1319G>A, p.Arg440Gln (NM_001351055.2); c.893G>A, p.Arg298Gln (NM_001351057.2); c.1349G>A (NM_015271.3); short protein forms R423Q, R450Q, R440Q, R298Q, R441Q.
Identifiers: ClinVar variation 575222 (VCV000575222.9), dbSNP rs777541972, ClinGen allele CA3108723.